The following is an entry in ClinVar:

NM_000091.5(COL4A3):c.3100T>A (p.Phe1034Ile)

Genes: MFF-DT (MFF divergent transcript; minus strand), COL4A3 (collagen type IV alpha 3 chain; plus strand). Cytogenetic location: 2q36.3.
Variant type: single nucleotide variant.
Coding change: c.3100T>A on transcript NM_000091.5 (MANE Select); coding-DNA position 3100, T replaced by A.
Protein change: p.Phe1034Ile; replaces phenylalanine 1034 with isoleucine.
Molecular consequence: missense variant.
Genome position (GRCh38, 1-based): chr2:227,290,776, T>A. VCF-style: chr2-227290776-T-A. GRCh37 (hg19) VCF-style: chr2-228155492-T-A.
Other names: short protein forms F1034I.
Identifiers: ClinVar variation 2138967 (VCV002138967.4), dbSNP rs376750724, ClinGen allele CA2147111.

ClinVar aggregate classification (germline): Uncertain significance. Review status: criteria provided, multiple submitters, no conflicts (2 of 4 stars). 4 submissions from 4 submitters: Uncertain significance (3). 1 of the submissions does not count toward it. Last evaluated 2025-06-18.

Conditions:
Autosomal dominant Alport syndrome (ATS3A). Also called: ALPORT SYNDROME 3A, AUTOSOMAL DOMINANT; Alport syndrome dominant type; Renal failure and sensorineural hearing loss. Identifiers: Orphanet 63, Orphanet 88918, MedGen C5882663, MONDO:0007086, OMIM 104200.
Alport syndrome 3b, autosomal recessive. Identifiers: MedGen C5882699, MONDO:0957811, OMIM 620536.
Hematuria, benign familial, 2 (BFH2). Identifiers: MedGen C5830421, MONDO:0958186, OMIM 620320.
COL4A3-related disorder. Also called: COL4A3-related condition; COL4A3-Related Disorders.
Inborn genetic diseases. Identifiers: MedGen C0950123, MeSH D030342.

Allele frequency attached by ClinVar (database versions not stated): ExAC 0.00003; gnomAD 0.00005; TOPMed 0.00005; ESP Exome Variant Server 0.00008; gnomAD exomes 0.00010.
gnomAD v4.1: 144 of 1,613,378 alleles (0.0089%); highest among the groups gnomAD compares: Non-Finnish European, 0.012%; no homozygotes.

Submissions (4):

Ambry Genetics
Classification: Uncertain significance for Inborn genetic diseases. Last evaluated: 2025-06-18. Review status: criteria provided, single submitter. Criteria: Ambry Variant Classification Scheme 2023. Collection method: clinical testing. Allele origin: germline.

Fulgent Genetics
Classification: Uncertain significance for Autosomal dominant Alport syndrome; Hematuria, benign familial, 2; Alport syndrome 3b, autosomal recessive. Last evaluated: 2024-05-17. Review status: criteria provided, single submitter. Criteria: ACMG Guidelines, 2015. Collection method: clinical testing. Allele origin: germline.

Labcorp Genetics (formerly Invitae), Labcorp
Classification: Uncertain significance. Last evaluated: 2022-07-19. Review status: criteria provided, single submitter. Criteria: Invitae Variant Classification Sherloc (09022015). Collection method: clinical testing. Allele origin: germline.
Comment: This sequence change replaces phenylalanine, which is neutral and non-polar, with isoleucine, which is neutral and non-polar, at codon 1034 of the COL4A3 protein (p.Phe1034Ile). This variant is present in population databases (rs376750724, gnomAD 0.009%). This variant has not been reported in the literature in individuals affected with COL4A3-related conditions. Advanced modeling of protein sequence and biophysical properties (such as structural, functional, and spatial information, amino acid conservation, physicochemical variation, residue mobility, and thermodynamic stability) performed at Invitae indicates that this missense variant is not expected to disrupt COL4A3 protein function. In summary, the available evidence is currently insufficient to determine the role of this variant in disease. Therefore, it has been classified as a Variant of Uncertain Significance.

PreventionGenetics, part of Exact Sciences
Classification: Uncertain significance for COL4A3-related condition. Last evaluated: 2024-04-17. Review status: no assertion criteria provided. Collection method: clinical testing. Allele origin: germline. Not counted in ClinVar's aggregate classification.
Comment: The COL4A3 c.3100T>A variant is predicted to result in the amino acid substitution p.Phe1034Ile. To our knowledge, this variant has not been reported in the literature. This variant is reported in 0.010% of alleles in individuals of European (Non-Finnish) descent in gnomAD. At this time, the clinical significance of this variant is uncertain due to the absence of conclusive functional and genetic evidence.